The following is an entry in ClinVar:

NM_001365951.3(KIF1B):c.4538T>C (p.Leu1513Pro)

Gene: KIF1B (kinesin family member 1B; plus strand). Cytogenetic location: 1p36.22.
Variant type: single nucleotide variant.
Coding change: c.4538T>C on transcript NM_001365951.3 (MANE Select); coding-DNA position 4538, T replaced by C.
Protein change: p.Leu1513Pro; replaces leucine 1513 with proline.
Molecular consequence: missense variant.
Genome position (GRCh38, 1-based): chr1:10,365,434, T>C. VCF-style: chr1-10365434-T-C. GRCh37 (hg19) VCF-style: chr1-10425492-T-C.
Other names: c.4538T>C, p.Leu1513Pro (NM_001365952.1); c.4400T>C, p.Leu1467Pro (NM_015074.3); short protein forms L1467P, L1513P.
Identifiers: ClinVar variation 1439288 (VCV001439288.9), dbSNP rs745654802, ClinGen allele CA582118.

ClinVar aggregate classification (germline): Uncertain significance. Review status: criteria provided, multiple submitters, no conflicts (2 of 4 stars). 2 submissions from 2 submitters: Uncertain significance (2). Last evaluated 2025-12-16.

Conditions:
Charcot-Marie-Tooth disease type 2. Also called: Charcot-Marie-Tooth type 2. Identifiers: Orphanet 64746, MedGen C0270914, MONDO:0018993.

Allele frequency attached by ClinVar (database versions not stated): gnomAD 0.00001; ExAC 0.00001; gnomAD exomes below 0.00001.
gnomAD v4.1: 3 of 1,614,232 alleles (0.00019%); highest among the groups gnomAD compares: African/African-American, 0.004%; no homozygotes.

Submissions (2):

Ambry Genetics
Classification: Uncertain significance. Last evaluated: 2025-12-16. Review status: criteria provided, single submitter. Criteria: Ambry Variant Classification Scheme 2023. Collection method: clinical testing. Allele origin: germline.
Comment: The p.L1467P variant (also known as c.4400T>C), located in coding exon 40 of the KIF1B gene, results from a T to C substitution at nucleotide position 4400. The leucine at codon 1467 is replaced by proline, an amino acid with similar properties. This amino acid position is highly conserved in available vertebrate species. In addition, this alteration is predicted to be deleterious by in silico analysis. Since supporting evidence is limited at this time, the clinical significance of this alteration remains unclear.

Labcorp Genetics (formerly Invitae), Labcorp
Classification: Uncertain significance for Charcot-Marie-Tooth disease type 2. Last evaluated: 2021-07-29. Review status: criteria provided, single submitter. Criteria: Invitae Variant Classification Sherloc (09022015). Collection method: clinical testing. Allele origin: germline.
Comment: This variant is present in population databases (rs745654802, ExAC 0.01%). In summary, the available evidence is currently insufficient to determine the role of this variant in disease. Therefore, it has been classified as a Variant of Uncertain Significance. Algorithms developed to predict the effect of missense changes on protein structure and function are either unavailable or do not agree on the potential impact of this missense change (SIFT: "Deleterious"; PolyPhen-2: "Possibly Damaging"; Align-GVGD: "Class C0"). This variant has not been reported in the literature in individuals affected with KIF1B-related conditions. This sequence change replaces leucine with proline at codon 1467 of the KIF1B protein (p.Leu1467Pro). The leucine residue is moderately conserved and there is a moderate physicochemical difference between leucine and proline.